The following is an entry in ClinVar:

ClinVar aggregate classification (germline): Uncertain significance. Review status: criteria provided, multiple submitters, no conflicts (2 of 4 stars). 2 submissions from 2 submitters: Uncertain significance (2). Last evaluated 2025-06-07.

Conditions:
Charcot-Marie-Tooth disease, demyelinating, type 1G (CMT1G). Identifiers: Orphanet 476394, MedGen C4748940, MONDO:0033135, OMIM 618279.

Submissions (2):

Dasa
Classification: Uncertain significance for Charcot-Marie-Tooth disease, demyelinating, type 1G. Last evaluated: 2025-06-07. Review status: criteria provided, single submitter. Criteria: DASA Assertion Criteria. Collection method: clinical testing. Allele origin: germline.
Comment: NM_002677.5(PMP2):c.349-12_349-9del is an intronic variant. This variant is rare in population databases. Computational prediction algorithms are consistent with a deleterious effect. The currently available literature and clinical evidence are not sufficient to establish a definitive association between this variant and the reported condition. Therefore, this variant is classified as a variant of uncertain significance.

Labcorp Genetics (formerly Invitae), Labcorp
Classification: Uncertain significance. Last evaluated: 2023-11-01. Review status: criteria provided, single submitter. Criteria: Invitae Variant Classification Sherloc (09022015). Collection method: clinical testing. Allele origin: germline.
Comment: This sequence change falls in intron 3 of the PMP2 gene. It does not directly change the encoded amino acid sequence of the PMP2 protein. This variant is not present in population databases (gnomAD no frequency). This variant has not been reported in the literature in individuals affected with PMP2-related conditions. Algorithms developed to predict the effect of sequence changes on RNA splicing suggest that this variant may disrupt the consensus splice site. In summary, the available evidence is currently insufficient to determine the role of this variant in disease. Therefore, it has been classified as a Variant of Uncertain Significance.

NM_002677.5(PMP2):c.349-16CT[2]

Gene: PMP2 (peripheral myelin protein 2; minus strand). Cytogenetic location: 8q21.13.
Variant type: Microsatellite.
Coding change: c.349-16CT[2] on transcript NM_002677.5 (MANE Select); two copies in a row of the 2-base unit CT starting at c.349-16; the reference has four copies in a row; two copies, 4 bases deleted.
Molecular consequence: intron variant.
Genome position (GRCh38, 1-based): chr8:81,443,457-81,443,460, AGAG deleted on the plus strand (CTCT on the coding strand, the reverse complement: PMP2 is on the minus strand); deleting any 4 consecutive bases within chr8:81,443,457-81,443,464 gives the same sequence; the position shown is the placement nearest the transcript's 3' end. VCF-style (leftmost placement, unchanged base first): chr8-81443456-AAGAG-A. GRCh37 (hg19) VCF-style: chr8-82355691-AAGAG-A.
Other names: c.176-16CT[2] (NM_001348381.2); c.349-12_349-9del (NM_002677.5).
Identifiers: ClinVar variation 2882933 (VCV002882933.5), dbSNP rs755229769, ClinGen allele CA1797417662.